The following is an entry in ClinVar:

NM_000426.4(LAMA2):c.4762C>G (p.Arg1588Gly)

Gene: LAMA2 (laminin subunit alpha 2; plus strand). Cytogenetic location: 6q22.33.
Variant type: single nucleotide variant.
Coding change: c.4762C>G on transcript NM_000426.4 (MANE Select); coding-DNA position 4762, C replaced by G.
Protein change: p.Arg1588Gly; replaces arginine 1588 with glycine.
Molecular consequence: missense variant.
Genome position (GRCh38, 1-based): chr6:129,366,263, C>G. VCF-style: chr6-129366263-C-G. GRCh37 (hg19) VCF-style: chr6-129687408-C-G.
Other names: c.4762C>G, p.Arg1588Gly (NM_001079823.2); short protein forms R1588G.
Identifiers: ClinVar variation 2047426 (VCV002047426.6), dbSNP rs568598684, ClinGen allele CA3993662.

ClinVar aggregate classification (germline): Uncertain significance. Review status: criteria provided, multiple submitters, no conflicts (2 of 4 stars). 4 submissions from 4 submitters: Uncertain significance (4). Last evaluated 2024-11-10.

Conditions:
LAMA2-related muscular dystrophy (LAMA2-RD). Also called: Laminin alpha 2-related dystrophy. Identifiers: MedGen C5679788, MONDO:0100228.
Inborn genetic diseases. Identifiers: MedGen C0950123, MeSH D030342.

gnomAD v4.1: 11 of 1,613,636 alleles (0.00068%); highest among the groups gnomAD compares: South Asian, 0.0033%; no homozygotes.

Submissions (4):

Ambry Genetics
Classification: Uncertain significance for Inborn genetic diseases. Last evaluated: 2024-11-10. Review status: criteria provided, single submitter. Criteria: Ambry Variant Classification Scheme 2023. Collection method: clinical testing. Allele origin: germline.

Labcorp Genetics (formerly Invitae), Labcorp
Classification: Uncertain significance for LAMA2-related muscular dystrophy. Last evaluated: 2022-10-17. Review status: criteria provided, single submitter. Criteria: Invitae Variant Classification Sherloc (09022015). Collection method: clinical testing. Allele origin: germline.
Comment: This sequence change replaces arginine, which is basic and polar, with glycine, which is neutral and non-polar, at codon 1588 of the LAMA2 protein (p.Arg1588Gly). This variant is present in population databases (rs568598684, gnomAD 0.003%). This variant has not been reported in the literature in individuals affected with LAMA2-related conditions. Advanced modeling of protein sequence and biophysical properties (such as structural, functional, and spatial information, amino acid conservation, physicochemical variation, residue mobility, and thermodynamic stability) performed at Invitae indicates that this missense variant is not expected to disrupt LAMA2 protein function. In summary, the available evidence is currently insufficient to determine the role of this variant in disease. Therefore, it has been classified as a Variant of Uncertain Significance.

Revvity Omics, Revvity
Classification: Uncertain significance. Last evaluated: 2022-08-10. Review status: criteria provided, single submitter. Criteria: ACMG Guidelines, 2015. Collection method: clinical testing. Allele origin: germline.

Blueprint Genetics
Classification: Uncertain significance. Last evaluated: 2019-01-30. Review status: criteria provided, single submitter. Criteria: ACMG Guidelines, 2015. Collection method: clinical testing. Allele origin: germline.